The following is an entry in ClinVar:

ClinVar aggregate classification (germline): Uncertain significance. Review status: criteria provided, multiple submitters, no conflicts (2 of 4 stars). 2 submissions from 2 submitters: Uncertain significance (2). Last evaluated 2026-07-01.

Conditions:
Inborn genetic diseases. Identifiers: MedGen C0950123, MeSH D030342.

Allele frequency attached by ClinVar (database versions not stated): gnomAD exomes 0.00001; ExAC 0.00003.

Submissions (2):

CeGaT Center for Human Genetics Tuebingen
Classification: Uncertain significance. Last evaluated: 2026-07-01. Review status: criteria provided, single submitter. Criteria: CeGaT Center For Human Genetics Tuebingen Variant Classification Criteria Version 2. Collection method: clinical testing. Allele origin: germline. Affected: yes. Observed: 1 variant allele.
Comment: CHD5: PP2, PP3

Ambry Genetics
Classification: Uncertain significance for Inborn genetic diseases. Last evaluated: 2026-05-20. Review status: criteria provided, single submitter. Criteria: Ambry Variant Classification Scheme 2023. Collection method: clinical testing. Allele origin: germline.
Comment: The c.4309A>T (p.M1437L) alteration is located in exon 29 (coding exon 29) of the CHD5 gene. This alteration results from a A to T substitution at nucleotide position 4309, causing the methionine (M) at amino acid position 1437 to be replaced by a leucine (L). Based on data from gnomAD, the T allele has an overall frequency of 0.003% (9/271212) total alleles studied. The highest observed frequency was 0.069% (7/10092) of Ashkenazi Jewish alleles. Based on insufficient or conflicting evidence, the clinical significance of this alteration remains unclear.

NM_015557.3(CHD5):c.4309A>T (p.Met1437Leu)

Gene: CHD5 (chromodomain helicase DNA binding protein 5; minus strand). Cytogenetic location: 1p36.31.
Variant type: single nucleotide variant.
Coding change: c.4309A>T on transcript NM_015557.3 (MANE Select); coding-DNA position 4309, A replaced by T.
Protein change: p.Met1437Leu; replaces methionine 1437 with leucine.
Molecular consequence: missense variant.
Genome position (GRCh38, 1-based): chr1:6,125,185, T>A on the plus strand (A>T on the coding strand, the complement: CHD5 is on the minus strand). VCF-style: chr1-6125185-T-A. GRCh37 (hg19) VCF-style: chr1-6185245-T-A.
Other names: short protein forms M1437L.
Identifiers: ClinVar variation 3144153 (VCV003144153.3), dbSNP rs758289975, ClinGen allele CA556210.